The following is an entry in ClinVar:

ClinVar aggregate classification (germline): Likely benign (0 of 4 stars; one submission).

Conditions:
CAPN15-related disorder. Also called: CAPN15-related condition.

Allele frequency attached by ClinVar (database versions not stated): ExAC 0.00003; gnomAD 0.00020; 1000 Genomes Project 30x 0.00031; 1000 Genomes Project 0.00040; TOPMed 0.00043.
gnomAD v4.1: 70 of 1,610,088 alleles (0.0043%); highest among the groups gnomAD compares: Admixed American, 0.069%; 1 homozygote.

Submission:

PreventionGenetics, part of Exact Sciences
Classification: Likely benign for CAPN15-related condition. Last evaluated: 2019-06-19. Review status: no assertion criteria provided. Collection method: clinical testing. Allele origin: germline.
Comment: This variant is classified as likely benign based on ACMG/AMP sequence variant interpretation guidelines (Richards et al. 2015 PMID: 25741868, with internal and published modifications).

NM_005632.3(CAPN15):c.2940C>T (p.His980=)

Gene: CAPN15 (calpain 15; plus strand). Cytogenetic location: 16p13.3.
Variant type: single nucleotide variant.
Coding change: c.2940C>T on transcript NM_005632.3 (MANE Select); coding-DNA position 2940, C replaced by T.
Protein change: p.His980=; no amino-acid change (histidine 980 retained).
Molecular consequence: synonymous variant.
Genome position (GRCh38, 1-based): chr16:552,898, C>T. VCF-style: chr16-552898-C-T. GRCh37 (hg19) VCF-style: chr16-602898-C-T.
Identifiers: ClinVar variation 3033940 (VCV003033940.2), dbSNP rs200592136, ClinGen allele CA7779001.